The following is an entry in ClinVar:

NM_001378452.1(ITPR1):c.7529G>C (p.Gly2510Ala)

Gene: ITPR1 (inositol 1,4,5-trisphosphate receptor type 1; plus strand). Cytogenetic location: 3p26.1.
Variant type: single nucleotide variant.
Coding change: c.7529G>C on transcript NM_001378452.1 (MANE Select); coding-DNA position 7529, G replaced by C.
Protein change: p.Gly2510Ala; replaces glycine 2510 with alanine.
Molecular consequence: missense variant.
Genome position (GRCh38, 1-based): chr3:4,813,202, G>C. VCF-style: chr3-4813202-G-C. GRCh37 (hg19) VCF-style: chr3-4854886-G-C.
Other names: c.7385G>C, p.Gly2462Ala (NM_001099952.4); c.7484G>C, p.Gly2495Ala (NM_001168272.2); c.7340G>C, p.Gly2447Ala (NM_002222.7); short protein forms G2495A, G2447A, G2462A, G2510A.
Identifiers: ClinVar variation 3393774 (VCV003393774.1).

ClinVar aggregate classification (germline): Uncertain significance (1 of 4 stars; one submission).

Submission:

GeneDx
Classification: Uncertain significance. Last evaluated: 2024-07-03. Review status: criteria provided, single submitter. Criteria: GeneDx Variant Classification Process June 2021. Collection method: clinical testing. Allele origin: germline. Affected: yes.
Comment: Not observed at significant frequency in large population cohorts (gnomAD); In silico analysis indicates that this missense variant does not alter protein structure/function; Has not been previously published as pathogenic or benign to our knowledge